The following is an entry in ClinVar:

ClinVar aggregate classification (germline): Conflicting classifications of pathogenicity. Review status: criteria provided, conflicting classifications (1 of 4 stars). 6 submissions from 6 submitters: Uncertain significance (5); Likely benign (1). Last evaluated 2026-01-07.

Conditions:
Marfan syndrome (MFS). Also called: Marfan syndrome, classic; FBN1-Related Marfan Syndrome; Marfan syndrome type 1; Marfan's syndrome; MARFAN SYNDROME, TYPE I. Identifiers: Orphanet 284963, Orphanet 558, MedGen C0024796, MONDO:0007947, OMIM 154700.
MASS syndrome (OCTD). Also called: OVERLAP CONNECTIVE TISSUE DISEASE; MASS PHENOTYPE. Identifiers: MedGen C1858556, MONDO:0011431, OMIM 604308.
Weill-Marchesani syndrome 2, dominant. Also called: Weill-Marchesani Syndrome, Autosomal Dominant; FBN1-Related Weill-Marchesani Syndrome. Identifiers: Orphanet 2084, MedGen C1869115, MONDO:0012013, OMIM 608328.
Acromicric dysplasia (ACMICD). Also called: Acromicric skeletal dysplasia. Identifiers: Orphanet 969, MedGen C0265287, MONDO:0007055, OMIM 102370.
Ectopia lentis 1, isolated, autosomal dominant (ECTOL1). Identifiers: Orphanet 1885, MedGen C3541518, MONDO:0007514, OMIM 129600.
Stiff skin syndrome (SSKS). Identifiers: Orphanet 2833, MedGen C1861456, MONDO:0008492, OMIM 184900.
Geleophysic dysplasia 2 (GPHYSD2). Identifiers: Orphanet 2623, MedGen C3280054, MONDO:0013612, OMIM 614185.
Progeroid and marfanoid aspect-lipodystrophy syndrome. Also called: MARFANOID-PROGEROID SYNDROME; MARFAN-PROGEROID-LIPODYSTROPHY SYNDROME; Marfan lipodystrophy syndrome; MARFANOID-PROGEROID-LIPODYSTROPHY SYNDROME. Identifiers: Orphanet 300382, MedGen C4310796, MONDO:0014831, OMIM 616914.
Familial thoracic aortic aneurysm and aortic dissection (TAAD). Also called: Thoracic aortic aneurysms and dissections. Identifiers: Orphanet 91387, MedGen C4707243, MONDO:0019625.

Allele frequency attached by ClinVar (database versions not stated): TOPMed 0.00002; ExAC 0.00002; ESP Exome Variant Server 0.00008.
gnomAD v4.1: 35 of 1,613,048 alleles (0.0022%); highest among the groups gnomAD compares: Non-Finnish European, 0.0024%; no homozygotes.

Submissions (6):

Ambry Genetics
Classification: Uncertain significance for Familial thoracic aortic aneurysm and aortic dissection. Last evaluated: 2026-01-07. Review status: criteria provided, single submitter. Criteria: Ambry Variant Classification Scheme 2023. Collection method: clinical testing. Allele origin: germline.
Comment: The p.R429Q variant (also known as c.1286G>A), located in coding exon 10 of the FBN1 gene, results from a G to A substitution at nucleotide position 1286. The arginine at codon 429 is replaced by glutamine, an amino acid with highly similar properties. This variant was reported in individual(s) with features consistent with thoracic aortic aneurysm and dissection (TAAD) (Yang H et al. J Thorac Cardiovasc Surg, 2023 Dec;166:1594-1603.e5). This amino acid position is highly conserved in available vertebrate species. In addition, this alteration is predicted to be tolerated by in silico analysis. Based on the available evidence, the clinical significance of this variant remains unclear.

Labcorp Genetics (formerly Invitae), Labcorp
Classification: Likely benign for Marfan syndrome; Familial thoracic aortic aneurysm and aortic dissection. Last evaluated: 2025-12-22. Review status: criteria provided, single submitter. Criteria: Invitae Variant Classification Sherloc (09022015). Collection method: clinical testing. Allele origin: germline.

All of Us Research Program, National Institutes of Health
Classification: Uncertain significance for Marfan syndrome. Last evaluated: 2024-09-26. Review status: criteria provided, single submitter. Criteria: ACMG Guidelines, 2015. Collection method: clinical testing. Allele origin: germline. Inheritance: Autosomal dominant inheritance. Observed: 6 variant alleles, 6 heterozygotes.
Comment: This missense variant replaces arginine with glutamine at codon 429 of the FBN1 protein. Computational prediction suggests that this variant may not impact protein structure and function (internally defined REVEL score threshold <= 0.5, PMID: 27666373). To our knowledge, functional studies have not been reported for this variant. This variant has not been reported in individuals affected with cardiovascular disorders in the literature. This variant has been identified in 7/251256 chromosomes in the general population by the Genome Aggregation Database (gnomAD). The available evidence is insufficient to determine the role of this variant in disease conclusively. Therefore, this variant is classified as a Variant of Uncertain Significance.

This study involves interpretation of variants in research participants for the purpose of population health screening. Participant phenotype was not available at the time of variant classification. Additional details can be found in publication PMID: 35346344, PMCID: PMC8962531

Color Diagnostics, LLC DBA Color Health
Classification: Uncertain significance for Familial thoracic aortic aneurysm and aortic dissection. Last evaluated: 2024-07-26. Review status: criteria provided, single submitter. Criteria: ACMG Guidelines, 2015. Collection method: clinical testing. Allele origin: germline.
Comment: This missense variant replaces arginine with glutamine at codon 429 of the FBN1 protein. Computational prediction tools indicate that this variant has a neutral impact on protein structure and function. To our knowledge, functional studies have not been reported for this variant. This variant has not been reported in individuals affected with FBN1-related disorders in the literature. This variant has been identified in 7/251256 chromosomes in the general population by the Genome Aggregation Database (gnomAD). The available evidence is insufficient to determine the role of this variant in disease conclusively. Therefore, this variant is classified as a Variant of Uncertain Significance.

GeneDx
Classification: Uncertain significance. Last evaluated: 2024-05-21. Review status: criteria provided, single submitter. Criteria: GeneDx Variant Classification Process June 2021. Collection method: clinical testing. Allele origin: germline. Affected: yes.
Comment: Has not been previously published as pathogenic or benign to our knowledge; Does not affect a cysteine residue within a calcium-binding EGF-like domain or a TGF-binding protein domain of the FBN1 gene; cysteine substitutions in the calcium-binding EGF-like domains represent the majority of pathogenic missense changes associated with FBN1-related disorders (PMID: 12938084); In silico analysis indicates that this missense variant does not alter protein structure/function; This variant is associated with the following publications: (PMID: 12938084)

Fulgent Genetics
Classification: Uncertain significance for Acromicric dysplasia; Ectopia lentis 1, isolated, autosomal dominant; Marfan syndrome; Stiff skin syndrome; MASS syndrome; Weill-Marchesani syndrome 2, dominant; Geleophysic dysplasia 2; Progeroid and marfanoid aspect-lipodystrophy syndrome. Last evaluated: 2021-07-26. Review status: criteria provided, single submitter. Criteria: ACMG Guidelines, 2015. Collection method: clinical testing. Allele origin: unknown.

Literature cited by the submitters: PubMed 36517271 (cited by Ambry Genetics).

NM_000138.5(FBN1):c.1286G>A (p.Arg429Gln)

Gene: FBN1 (fibrillin 1; minus strand). Cytogenetic location: 15q21.1.
Variant type: single nucleotide variant.
Coding change: c.1286G>A on transcript NM_000138.5 (MANE Select); coding-DNA position 1286, G replaced by A.
Protein change: p.Arg429Gln; replaces arginine 429 with glutamine.
Molecular consequence: missense variant.
Genome position (GRCh38, 1-based): chr15:48,516,224, C>T on the plus strand (G>A on the coding strand, the complement: FBN1 is on the minus strand). VCF-style: chr15-48516224-C-T. GRCh37 (hg19) VCF-style: chr15-48808421-C-T.
Other names: p.R429Q:CGA>CAA; short protein forms R429Q.
Identifiers: ClinVar variation 199966 (VCV000199966.18), dbSNP rs368089138, ClinGen allele CA012066.